The following is an entry in ClinVar:

ClinVar aggregate classification (germline): Uncertain significance (1 of 4 stars; one submission).

Submission:

Labcorp Genetics (formerly Invitae), Labcorp
Classification: Uncertain significance. Last evaluated: 2023-06-24. Review status: criteria provided, single submitter. Criteria: Invitae Variant Classification Sherloc (09022015). Collection method: clinical testing. Allele origin: germline.
Comment: In summary, the available evidence is currently insufficient to determine the role of this variant in disease. Therefore, it has been classified as a Variant of Uncertain Significance. Advanced modeling of protein sequence and biophysical properties (such as structural, functional, and spatial information, amino acid conservation, physicochemical variation, residue mobility, and thermodynamic stability) has been performed at Invitae for this missense variant, however the output from this modeling did not meet the statistical confidence thresholds required to predict the impact of this variant on COL7A1 protein function. This variant has not been reported in the literature in individuals affected with COL7A1-related conditions. This variant is not present in population databases (gnomAD no frequency). This sequence change replaces aspartic acid, which is acidic and polar, with asparagine, which is neutral and polar, at codon 1914 of the COL7A1 protein (p.Asp1914Asn).

NM_000094.4(COL7A1):c.5740G>A (p.Asp1914Asn)

Gene: COL7A1 (collagen type VII alpha 1 chain; minus strand). Cytogenetic location: 3p21.31.
Variant type: single nucleotide variant.
Coding change: c.5740G>A on transcript NM_000094.4 (MANE Select); coding-DNA position 5740, G replaced by A.
Protein change: p.Asp1914Asn; replaces aspartic acid 1914 with asparagine.
Molecular consequence: missense variant.
Genome position (GRCh38, 1-based): chr3:48,576,432, C>T on the plus strand (G>A on the coding strand, the complement: COL7A1 is on the minus strand). VCF-style: chr3-48576432-C-T. GRCh37 (hg19) VCF-style: chr3-48613865-C-T.
Other names: short protein forms D1914N.
Identifiers: ClinVar variation 2796445 (VCV002796445.3), dbSNP rs2530995742, ClinGen allele CA352666679.